The following is an entry in ClinVar:

ClinVar aggregate classification (germline): Likely benign (0 of 4 stars; one submission).

Conditions:
FDFT1-related disorder. Also called: FDFT1-related condition.

Allele frequency attached by ClinVar (database versions not stated): gnomAD exomes 0.00001; ExAC 0.00004; gnomAD 0.00007; ESP Exome Variant Server 0.00008; TOPMed 0.00009; 1000 Genomes Project 30x 0.00016; 1000 Genomes Project 0.00020.
gnomAD v4.1: 19 of 1,608,372 alleles (0.0012%); highest among the groups gnomAD compares: African/African-American, 0.021%; no homozygotes.

Submission:

PreventionGenetics, part of Exact Sciences
Classification: Likely benign for FDFT1-related condition. Last evaluated: 2024-01-14. Review status: no assertion criteria provided. Collection method: clinical testing. Allele origin: germline.
Comment: This variant is classified as likely benign based on ACMG/AMP sequence variant interpretation guidelines (Richards et al. 2015 PMID: 25741868, with internal and published modifications).

NM_004462.5(FDFT1):c.-2G>A

Gene: FDFT1 (farnesyl-diphosphate farnesyltransferase 1). Cytogenetic location: 8p23.1.
Variant type: single nucleotide variant.
Coding change: c.-2G>A on transcript NM_004462.5 (MANE Select); 2 bases upstream of the start codon, G replaced by A.
Molecular consequence: 5 prime UTR variant. On other transcripts: intron variant (1).
Genome position (GRCh38, 1-based): chr8:11,802,831, G>A. VCF-style: chr8-11802831-G-A. GRCh37 (hg19) VCF-style: chr8-11660340-G-A.
Other names: c.-2G>A (NM_001287742.2, NM_001287743.2); c.-391G>A (NM_001287745.2); c.-16G>A (NM_001287756.2); c.-93-5963G>A (NM_001287744.2).
Identifiers: ClinVar variation 3048321 (VCV003048321.2), dbSNP rs373697245, ClinGen allele CA4631508.